The following is an entry in ClinVar:

ClinVar aggregate classification (germline): Uncertain significance. Review status: criteria provided, multiple submitters, no conflicts (2 of 4 stars). 5 submissions from 5 submitters: Uncertain significance (4). 1 of the submissions does not count toward it. Last evaluated 2025-12-03.

Conditions:
Inborn genetic diseases. Identifiers: MedGen C0950123, MeSH D030342.
Cohen syndrome (COH1). Also called: PEPPER SYNDROME; Cutis verticis gyrata, retinitis pigmentosa, and sensorineural deafness. Identifiers: Orphanet 193, MedGen C0265223, MONDO:0008999, OMIM 216550.
VPS13B-related disorder. Also called: VPS13B-related condition.

Allele frequency attached by ClinVar (database versions not stated): gnomAD 0.00001; gnomAD exomes 0.00001; ExAC 0.00002; TOPMed 0.00003.
gnomAD v4.1: 11 of 1,613,778 alleles (0.00068%); highest among the groups gnomAD compares: East Asian, 0.0045%; 1 homozygote.

Submissions (5):

Ambry Genetics
Classification: Uncertain significance for Inborn genetic diseases. Last evaluated: 2025-12-03. Review status: criteria provided, single submitter. Criteria: Ambry Variant Classification Scheme 2023. Collection method: clinical testing. Allele origin: germline.

Labcorp Genetics (formerly Invitae), Labcorp
Classification: Uncertain significance for Cohen syndrome. Last evaluated: 2022-10-13. Review status: criteria provided, single submitter. Criteria: Invitae Variant Classification Sherloc (09022015). Collection method: clinical testing. Allele origin: germline.
Comment: This sequence change replaces arginine, which is basic and polar, with histidine, which is basic and polar, at codon 2685 of the VPS13B protein (p.Arg2685His). This variant is present in population databases (rs555559192, gnomAD 0.006%). This variant has not been reported in the literature in individuals affected with VPS13B-related conditions. ClinVar contains an entry for this variant (Variation ID: 1411811). Advanced modeling of protein sequence and biophysical properties (such as structural, functional, and spatial information, amino acid conservation, physicochemical variation, residue mobility, and thermodynamic stability) performed at Invitae indicates that this missense variant is expected to disrupt VPS13B protein function. In summary, the available evidence is currently insufficient to determine the role of this variant in disease. Therefore, it has been classified as a Variant of Uncertain Significance.

Mayo Clinic Laboratories, Mayo Clinic
Classification: Uncertain significance. Last evaluated: 2021-08-17. Review status: criteria provided, single submitter. Criteria: ACMG Guidelines, 2015. Collection method: clinical testing. Allele origin: germline.

Fulgent Genetics
Classification: Uncertain significance for Cohen syndrome. Last evaluated: 2021-07-25. Review status: criteria provided, single submitter. Criteria: ACMG Guidelines, 2015. Collection method: clinical testing. Allele origin: unknown.

PreventionGenetics, part of Exact Sciences
Classification: Uncertain significance for VPS13B-related condition. Last evaluated: 2024-03-05. Review status: no assertion criteria provided. Collection method: clinical testing. Allele origin: germline. Not counted in ClinVar's aggregate classification.
Comment: The VPS13B c.7979G>A variant is predicted to result in the amino acid substitution p.Arg2660His. To our knowledge, this variant has not been reported in the literature. This variant is reported in 0.0055% of alleles in individuals of East Asian descent in gnomAD. At this time, the clinical significance of this variant is uncertain due to the absence of conclusive functional and genetic evidence.

NM_152564.5(VPS13B):c.7979G>A (p.Arg2660His)

Gene: VPS13B (vacuolar protein sorting 13 homolog B; plus strand). Cytogenetic location: 8q22.2.
Variant type: single nucleotide variant.
Coding change: c.7979G>A on transcript NM_152564.5 (MANE Select); coding-DNA position 7979, G replaced by A.
Protein change: p.Arg2660His; replaces arginine 2660 with histidine.
Molecular consequence: missense variant.
Genome position (GRCh38, 1-based): chr8:99,809,412, G>A. VCF-style: chr8-99809412-G-A. GRCh37 (hg19) VCF-style: chr8-100821640-G-A.
Other names: p.Arg2685His; c.8054G>A, p.Arg2685His (NM_017890.5); c.7979G>A (NM_152564.4); c.8054G>A (NM_017890.3); short protein forms R2660H, R2685H.
Identifiers: ClinVar variation 1411811 (VCV001411811.11), dbSNP rs555559192, ClinGen allele CA4824358.